The following is an entry in ClinVar:

ClinVar aggregate classification (germline): Uncertain significance (1 of 4 stars; one submission).

Allele frequency attached by ClinVar (database versions not stated): gnomAD exomes below 0.00001 and 0.00001; ExAC 0.00001.

Submission:

GeneDx
Classification: Uncertain significance. Last evaluated: 2018-11-29. Review status: criteria provided, single submitter. Criteria: GeneDx Variant Classification Process June 2021. Collection method: clinical testing. Allele origin: germline. Affected: yes.
Comment: In silico analysis, which includes protein predictors and evolutionary conservation, supports that this variant does not alter protein structure/function; Has not been previously published as pathogenic or benign to our knowledge

NM_005422.4(TECTA):c.5521G>A (p.Glu1841Lys)

Genes: TBCEL-TECTA (TBCEL-TECTA readthrough; plus strand), TECTA (tectorin alpha; plus strand). Cytogenetic location: 11q23.3.
Variant type: single nucleotide variant.
Coding change: c.5521G>A on transcript NM_005422.4 (MANE Select); coding-DNA position 5521, G replaced by A.
Protein change: p.Glu1841Lys; replaces glutamic acid 1841 with lysine.
Molecular consequence: missense variant.
Genome position (GRCh38, 1-based): chr11:121,166,715, G>A. VCF-style: chr11-121166715-G-A. GRCh37 (hg19) VCF-style: chr11-121037424-G-A.
Other names: c.6463G>A, p.Glu2155Lys (NM_001378761.1); short protein forms E1841K, E2155K.
Identifiers: ClinVar variation 1304316 (VCV001304316.2), dbSNP rs770205136, ClinGen allele CA6327743.